The following is an entry in ClinVar:

ClinVar aggregate classification (germline): Uncertain significance. Review status: criteria provided, multiple submitters, no conflicts (2 of 4 stars). 3 submissions from 3 submitters: Uncertain significance (2). 1 of the submissions does not count toward it. Last evaluated 2023-11-16.

Conditions:
Autosomal dominant hypocalcemia 1 (HYPOC1). Also called: HYPOCALCEMIA, FAMILIAL. Identifiers: MedGen C3715128, MONDO:0011013, OMIM 601198.
Familial hypocalciuric hypercalcemia (FHH). Also called: Familial benign hypercalcemia. Identifiers: Orphanet 405, MedGen C1809471, MONDO:0018458.
Nephrolithiasis/nephrocalcinosis. Identifiers: MedGen CN580796.
Familial hypocalciuric hypercalcemia 1. Also called: Hypercalcemia, familial benign type 1. Identifiers: Orphanet 405, Orphanet 93372, MedGen C0342637, MONDO:0007791, OMIM 145980.

Allele frequency attached by ClinVar (database versions not stated): gnomAD exomes below 0.00001 and 0.00001; ExAC 0.00002.
gnomAD v4.1: 2 of 1,613,658 alleles (0.00012%); highest among the groups gnomAD compares: Non-Finnish European, 0.00017%; no homozygotes.

Submissions (3):

Ambry Genetics
Classification: Uncertain significance for Nephrolithiasis/nephrocalcinosis. Last evaluated: 2023-11-16. Review status: criteria provided, single submitter. Criteria: Ambry Variant Classification Scheme 2023. Collection method: clinical testing. Allele origin: germline.
Comment: The p.S913F variant (also known as c.2738C>T), located in coding exon 6 of the CASR gene, results from a C to T substitution at nucleotide position 2738. The serine at codon 913 is replaced by phenylalanine, an amino acid with highly dissimilar properties. This amino acid position is well conserved in available vertebrate species. In addition, the in silico prediction for this alteration is inconclusive. Since supporting evidence is limited at this time, the clinical significance of this alteration remains unclear.

Labcorp Genetics (formerly Invitae), Labcorp
Classification: Uncertain significance for Familial hypocalciuric hypercalcemia; Autosomal dominant hypocalcemia 1. Last evaluated: 2023-03-04. Review status: criteria provided, single submitter. Criteria: Invitae Variant Classification Sherloc (09022015). Collection method: clinical testing. Allele origin: germline.
Comment: This sequence change replaces serine, which is neutral and polar, with phenylalanine, which is neutral and non-polar, at codon 913 of the CASR protein (p.Ser913Phe). In summary, the available evidence is currently insufficient to determine the role of this variant in disease. Therefore, it has been classified as a Variant of Uncertain Significance. An algorithm developed to predict the effect of missense changes on protein structure and function (PolyPhen-2) suggests that this variant is likely to be tolerated. ClinVar contains an entry for this variant (Variation ID: 1391637). This variant has not been reported in the literature in individuals affected with CASR-related conditions. This variant is present in population databases (rs751273631, gnomAD 0.003%).

Molecular Genetics Laboratory, Biobizkaia Health Research Institute
Classification: Uncertain significance for Familial hypocalciuric hypercalcemia 1. Last evaluated: 2024-03-08. Review status: no assertion criteria provided. Collection method: clinical testing. Allele origin: germline. Affected: yes. Not counted in ClinVar's aggregate classification.

NM_000388.4(CASR):c.2738C>T (p.Ser913Phe)

Gene: CASR (calcium sensing receptor; plus strand). Cytogenetic location: 3q21.1.
Variant type: single nucleotide variant.
Coding change: c.2738C>T on transcript NM_000388.4 (MANE Select); coding-DNA position 2738, C replaced by T.
Protein change: p.Ser913Phe; replaces serine 913 with phenylalanine.
Molecular consequence: missense variant.
Genome position (GRCh38, 1-based): chr3:122,284,692, C>T. VCF-style: chr3-122284692-C-T. GRCh37 (hg19) VCF-style: chr3-122003539-C-T.
Other names: c.2768C>T, p.Ser923Phe (NM_001178065.2); c.2738C>T (NM_000388.3); short protein forms S913F, S923F.
Identifiers: ClinVar variation 1391637 (VCV001391637.10), dbSNP rs751273631, ClinGen allele CA2569855.